The following is an entry in ClinVar:

NM_182914.3(SYNE2):c.9576T>G (p.Cys3192Trp)

Gene: SYNE2 (spectrin repeat containing nuclear envelope protein 2; plus strand). Cytogenetic location: 14q23.2.
Variant type: single nucleotide variant.
Coding change: c.9576T>G on transcript NM_182914.3 (MANE Select); coding-DNA position 9576, T replaced by G.
Protein change: p.Cys3192Trp; replaces cysteine 3192 with tryptophan.
Molecular consequence: missense variant.
Genome position (GRCh38, 1-based): chr14:64,053,489, T>G. VCF-style: chr14-64053489-T-G. GRCh37 (hg19) VCF-style: chr14-64520207-T-G.
Other names: c.9576T>G, p.Cys3192Trp (NM_015180.6); short protein forms C3192W.
Identifiers: ClinVar variation 2991127 (VCV002991127.3), dbSNP rs769968000, ClinGen allele CA7221288.

ClinVar aggregate classification (germline): Uncertain significance (1 of 4 stars; one submission).

Conditions:
Emery-Dreifuss muscular dystrophy 5, autosomal dominant (EDMD5). Also called: EMERY-DREIFUSS MUSCULAR DYSTROPHY 5. Identifiers: Orphanet 261, MedGen C2751805, MONDO:0013072, OMIM 612999.

Allele frequency attached by ClinVar (database versions not stated): TOPMed below 0.00001; ExAC 0.00001.
gnomAD v4.1: 5 of 1,614,194 alleles (0.00031%); highest among the groups gnomAD compares: Non-Finnish European, 0.00042%; no homozygotes.

Submission:

Labcorp Genetics (formerly Invitae), Labcorp
Classification: Uncertain significance for Emery-Dreifuss muscular dystrophy 5, autosomal dominant. Last evaluated: 2023-05-23. Review status: criteria provided, single submitter. Criteria: Invitae Variant Classification Sherloc (09022015). Collection method: clinical testing. Allele origin: germline.
Comment: In summary, the available evidence is currently insufficient to determine the role of this variant in disease. Therefore, it has been classified as a Variant of Uncertain Significance. This sequence change replaces cysteine, which is neutral and slightly polar, with tryptophan, which is neutral and slightly polar, at codon 3192 of the SYNE2 protein (p.Cys3192Trp). This variant is present in population databases (rs769968000, gnomAD 0.0009%). This variant has not been reported in the literature in individuals affected with SYNE2-related conditions. Algorithms developed to predict the effect of missense changes on protein structure and function output the following: SIFT: "Not Available"; PolyPhen-2: "Benign"; Align-GVGD: "Not Available". The tryptophan amino acid residue is found in multiple mammalian species, which suggests that this missense change does not adversely affect protein function.